The following is an entry in ClinVar:

ClinVar aggregate classification (germline): Benign/Likely benign. Review status: criteria provided, multiple submitters, no conflicts (2 of 4 stars). 2 submissions from 2 submitters: Benign (1); Likely benign (1). Last evaluated 2025-05-13.

Conditions:
Multiple endocrine neoplasia, type 1 (MEN1). Also called: MEA I; MEN I; WERMER SYNDROME; Endocrine adenomatosis multiple; MEN 1. Identifiers: Orphanet 652, MedGen C0025267, MeSH D018761, MONDO:0007540, OMIM 131100.

Submissions (2):

Labcorp Genetics (formerly Invitae), Labcorp
Classification: Likely benign for Multiple endocrine neoplasia, type 1. Last evaluated: 2025-05-13. Review status: criteria provided, single submitter. Criteria: Invitae Variant Classification Sherloc (09022015). Collection method: clinical testing. Allele origin: germline.

Myriad Genetics, Inc.
Classification: Benign for Multiple endocrine neoplasia, type 1. Last evaluated: 2024-10-31. Review status: criteria provided, single submitter. Criteria: Myriad Autosomal Dominant, Autosomal Recessive and X-Linked Classification Criteria (2023). Collection method: clinical testing. Allele origin: unknown.
Comment: This variant is considered benign. This variant is a silent/synonymous amino acid change and it is not expected to impact splicing.

NM_001370259.2(MEN1):c.45C>T (p.Ser15=)

Gene: MEN1 (menin 1; minus strand). Cytogenetic location: 11q13.1.
Variant type: single nucleotide variant.
Coding change: c.45C>T on transcript NM_001370259.2 (MANE Select); coding-DNA position 45, C replaced by T.
Protein change: p.Ser15=; no amino-acid change (serine 15 retained).
Molecular consequence: synonymous variant. On other transcripts: non-coding transcript variant (4).
Genome position (GRCh38, 1-based): chr11:64,810,065, G>A on the plus strand (C>T on the coding strand, the complement: MEN1 is on the minus strand). VCF-style: chr11-64810065-G-A. GRCh37 (hg19) VCF-style: chr11-64577537-G-A.
Other names: c.45C>T, p.Ser15= (NM_000244.4, NM_001370251.2, NM_001370260.2 and 20 more transcripts).
Identifiers: ClinVar variation 2784575 (VCV002784575.4), dbSNP rs1213911551, ClinGen allele CA475163238.